The following is an entry in ClinVar:

NM_015338.6(ASXL1):c.2151G>C (p.Arg717Ser)

Gene: ASXL1 (ASXL transcriptional regulator 1; plus strand). Cytogenetic location: 20q11.21.
Variant type: single nucleotide variant.
Coding change: c.2151G>C on transcript NM_015338.6 (MANE Select); coding-DNA position 2151, G replaced by C.
Protein change: p.Arg717Ser; replaces arginine 717 with serine.
Molecular consequence: missense variant.
Genome position (GRCh38, 1-based): chr20:32,434,863, G>C. VCF-style: chr20-32434863-G-C. GRCh37 (hg19) VCF-style: chr20-31022666-G-C.
Other names: c.1968G>C, p.Arg656Ser (NM_001363734.1); short protein forms R717S, R656S.
Identifiers: ClinVar variation 3791794 (VCV003791794.1).
Genomic context (GRCh38, chr20:32,434,863, plus strand): 5'-GCCGCCTTATCCTCTAAATGGGGAGCATACCCAGGCCGGAACTGCCATGTCCAGAGCTAG[G>C]AGAGAGGACCTGCCTTCTCTGAGAAAGGAGGAAAGCTGCCTACTACAGAGGGCTACAGTT-3'
Protein context (NP_056153.2, residues 707-727): TQAGTAMSRA[Arg717Ser]REDLPSLRKE

ClinVar aggregate classification (germline): Uncertain significance (1 of 4 stars; one submission).

Conditions:
Inborn genetic diseases. Identifiers: MedGen C0950123, MeSH D030342.

gnomAD v4.1: 1 of 1,614,058 alleles (0.000062%); highest among the groups gnomAD compares: African/African-American, 0.0013%; no homozygotes.

Submission:

Ambry Genetics
Classification: Uncertain significance for Inborn genetic diseases. Last evaluated: 2024-12-31. Review status: criteria provided, single submitter. Criteria: Ambry Variant Classification Scheme 2023. Collection method: clinical testing. Allele origin: germline.
Comment: The p.R717S variant (also known as c.2151G>C), located in coding exon 13 of the ASXL1 gene, results from a G to C substitution at nucleotide position 2151. The arginine at codon 717 is replaced by serine, an amino acid with dissimilar properties. This amino acid position is conserved. In addition, this alteration is predicted to be tolerated by in silico analysis. Based on the available evidence, the clinical significance of this variant remains unclear.